The following is an entry in ClinVar:

NM_004793.4(LONP1):c.527C>T (p.Ser176Leu)

Gene: LONP1 (lon peptidase 1, mitochondrial; minus strand). Cytogenetic location: 19p13.3.
Variant type: single nucleotide variant.
Coding change: c.527C>T on transcript NM_004793.4 (MANE Select); coding-DNA position 527, C replaced by T.
Protein change: p.Ser176Leu; replaces serine 176 with leucine.
Molecular consequence: missense variant. On other transcripts: 5 prime UTR variant (1), non-coding transcript variant (1).
Genome position (GRCh38, 1-based): chr19:5,713,245, G>A on the plus strand (C>T on the coding strand, the complement: LONP1 is on the minus strand). VCF-style: chr19-5713245-G-A. GRCh37 (hg19) VCF-style: chr19-5713256-G-A.
Other names: c.335C>T, p.Ser112Leu (NM_001276479.2); c.-62C>T (NM_001276480.1); c.527C>T (NM_004793.3); short protein forms S176L, S112L.
Identifiers: ClinVar variation 1415668 (VCV001415668.9), dbSNP rs139555567, ClinGen allele CA9115081.

ClinVar aggregate classification (germline): Conflicting classifications of pathogenicity. Review status: criteria provided, conflicting classifications (1 of 4 stars). 3 submissions from 3 submitters: Uncertain significance (1); Benign (1). 1 of the submissions does not count toward it. Last evaluated 2026-01-24.

Conditions:
LONP1-related disorder. Also called: LONP1-related disorders; LONP1-related condition.

Allele frequency attached by ClinVar (database versions not stated): ExAC 0.00020; gnomAD exomes 0.00021; gnomAD 0.00058; TOPMed 0.00061; ESP Exome Variant Server 0.00077; 1000 Genomes Project 30x 0.00094; 1000 Genomes Project 0.00100.
gnomAD v4.1: 166 of 1,613,480 alleles (0.01%); highest among the groups gnomAD compares: African/African-American, 0.16%; no homozygotes.

Submissions (3):

Labcorp Genetics (formerly Invitae), Labcorp
Classification: Benign. Last evaluated: 2026-01-24. Review status: criteria provided, single submitter. Criteria: Invitae Variant Classification Sherloc (09022015). Collection method: clinical testing. Allele origin: germline.

Breakthrough Genomics
Classification: Uncertain significance. Review status: criteria provided, single submitter. Criteria: ACMG Guidelines, 2015. Collection method: not provided. Allele origin: germline. Inheritance: Autosomal recessive inheritance. Affected: yes.

PreventionGenetics, part of Exact Sciences
Classification: Likely benign for LONP1-related condition. Last evaluated: 2022-07-06. Review status: no assertion criteria provided. Collection method: clinical testing. Allele origin: germline. Not counted in ClinVar's aggregate classification.
Comment: This variant is classified as likely benign based on ACMG/AMP sequence variant interpretation guidelines (Richards et al. 2015 PMID: 25741868, with internal and published modifications).